The following is an entry in ClinVar:

NM_000327.4(ROM1):c.937A>G (p.Ser313Gly)

Gene: ROM1 (retinal outer segment membrane protein 1; plus strand). Cytogenetic location: 11q12.3.
Variant type: single nucleotide variant.
Coding change: c.937A>G on transcript NM_000327.4 (MANE Select); coding-DNA position 937, A replaced by G.
Protein change: p.Ser313Gly; replaces serine 313 with glycine.
Molecular consequence: missense variant.
Genome position (GRCh38, 1-based): chr11:62,614,720, A>G. VCF-style: chr11-62614720-A-G. GRCh37 (hg19) VCF-style: chr11-62382192-A-G.
Other names: short protein forms S313G.
Identifiers: ClinVar variation 1039993 (VCV001039993.8), dbSNP rs1942988330, ClinGen allele CA380973064.

ClinVar aggregate classification (germline): Uncertain significance (1 of 4 stars; one submission).

Submission:

Labcorp Genetics (formerly Invitae), Labcorp
Classification: Uncertain significance. Last evaluated: 2020-07-08. Review status: criteria provided, single submitter. Criteria: Invitae Variant Classification Sherloc (09022015). Collection method: clinical testing. Allele origin: germline.
Comment: In summary, the available evidence is currently insufficient to determine the role of this variant in disease. Therefore, it has been classified as a Variant of Uncertain Significance. Algorithms developed to predict the effect of missense changes on protein structure and function output the following: SIFT: "Tolerated"; PolyPhen-2: "Benign"; Align-GVGD: "Class C0". The glycine amino acid residue is found in multiple mammalian species, suggesting that this missense change does not adversely affect protein function. These predictions have not been confirmed by published functional studies and their clinical significance is uncertain. This variant has not been reported in the literature in individuals with ROM1-related conditions. This variant is not present in population databases (ExAC no frequency). This sequence change replaces serine with glycine at codon 313 of the ROM1 protein (p.Ser313Gly). The serine residue is weakly conserved and there is a small physicochemical difference between serine and glycine.